The following is an entry in ClinVar:

ClinVar aggregate classification (germline): Pathogenic. Review status: criteria provided, multiple submitters, no conflicts (2 of 4 stars). 2 submissions from 2 submitters: Pathogenic (2). Last evaluated 2026-07-10.

Conditions:
Cardiovascular phenotype. Identifiers: MedGen CN230736.

Submissions (2):

Ambry Genetics
Classification: Pathogenic for Cardiovascular phenotype. Last evaluated: 2026-07-10. Review status: criteria provided, single submitter. Criteria: Ambry Variant Classification Scheme 2023. Collection method: clinical testing. Allele origin: germline.
Comment: The c.1665_1666insAG pathogenic mutation, located in coding exon 5 of the ALPK3 gene, results from an insertion of two nucleotides at position 1665, causing a translational frameshift with a predicted alternate stop codon (p.C557Pfs*62). This variant is considered to be rare based on population cohorts in the Genome Aggregation Database (gnomAD). This alteration is expected to result in loss of function by premature protein truncation or nonsense-mediated mRNA decay. As such, this alteration is interpreted as a disease-causing mutation.

Labcorp Genetics (formerly Invitae), Labcorp
Classification: Pathogenic. Last evaluated: 2025-06-22. Review status: criteria provided, single submitter. Criteria: Invitae Variant Classification Sherloc (09022015). Collection method: clinical testing. Allele origin: germline.
Comment: This sequence change creates a premature translational stop signal (p.Cys557Profs*62) in the ALPK3 gene. It is expected to result in an absent or disrupted protein product. Loss-of-function variants in ALPK3 are known to be pathogenic (PMID: 21441111, 26846950, 27106955, 34263907). This variant is not present in population databases (gnomAD no frequency). This variant has not been reported in the literature in individuals affected with ALPK3-related conditions. For these reasons, this variant has been classified as Pathogenic.

Literature cited by the submitters: PubMed 21441111 (cited by Labcorp Genetics (formerly Invitae), Labcorp); PubMed 26846950 (cited by Labcorp Genetics (formerly Invitae), Labcorp); PubMed 27106955 (cited by Labcorp Genetics (formerly Invitae), Labcorp); PubMed 34263907 (cited by Labcorp Genetics (formerly Invitae), Labcorp).

NM_020778.5(ALPK3):c.1059_1060insAG (p.Cys355fs)

Gene: ALPK3 (alpha kinase 3; plus strand). Cytogenetic location: 15q25.3.
Variant type: Insertion.
Coding change: c.1059_1060insAG on transcript NM_020778.5 (MANE Select); coding-DNA positions 1059 to 1060, AG inserted.
Protein change: p.Cys355fs; shifts the reading frame from cysteine 355.
Molecular consequence: frameshift variant.
Genome position: GRCh38 VCF-style: chr15-84840338-C-CAG. GRCh37 (hg19) VCF-style: chr15-85383569-C-CAG.
Other names: c.1665_1666insAG (NM_020778.4); short protein forms C355fs.
Identifiers: ClinVar variation 4721874 (VCV004721874.2).